The following is an entry in ClinVar:

NM_001193315.2(VIPAS39):c.837-2A>G

Gene: VIPAS39 (VPS33B interacting protein, apical-basolateral polarity regulator, spe-39 homolog; minus strand). Cytogenetic location: 14q24.3.
Variant type: single nucleotide variant.
Coding change: c.837-2A>G on transcript NM_001193315.2 (MANE Select); the canonical splice acceptor site of the intron before coding-DNA position 837, A replaced by G.
Molecular consequence: splice acceptor variant. On other transcripts: intron variant (1).
Genome position (GRCh38, 1-based): chr14:77,435,921, T>C on the plus strand (A>G on the coding strand, the complement: VIPAS39 is on the minus strand). VCF-style: chr14-77435921-T-C. GRCh37 (hg19) VCF-style: chr14-77902264-T-C.
Other names: c.597-2A>G (NM_001400337.1); c.690-2A>G (NM_001193316.2, NM_001400324.1, NM_001400325.1); c.744-2A>G (NM_001400333.1, NM_001400334.1); c.804-2A>G (NM_001400327.1); c.735-2A>G (NM_001400338.1); c.763-1618A>G (NM_001400339.1); c.837-2A>G (NM_001400336.1, NM_001400330.1, NM_001400335.1 and 6 more transcripts).
Identifiers: ClinVar variation 4812898 (VCV004812898.1).
Genomic context (GRCh38, chr14:77,435,921, plus strand): 5'-GTTCCAGGAGCGTGTAATGGTCCTGTATGTGTGCGGAATCTTCTGCTGAAAATGGCAAAC[T>C]GGTAGAGTGCCAGAAGGTTAGTACCTTTCTCTATTCAAACAAGGAAACAAACCCAACTAA-3'

ClinVar aggregate classification (germline): Pathogenic (1 of 4 stars; one submission).

gnomAD v4.1: 1 of 1,614,120 alleles (0.000062%); highest among the groups gnomAD compares: Middle Eastern, 0.017%; no homozygotes.

Submission:

GeneDx
Classification: Pathogenic. Last evaluated: 2025-08-26. Review status: criteria provided, single submitter. Criteria: GeneDx Variant Classification Process June 2021. Collection method: clinical testing. Allele origin: germline. Affected: yes.
Comment: Canonical splice site variant predicted to result in a null allele in a gene for which loss of function is a known mechanism of disease; Not observed at significant frequency in large population cohorts (gnomAD); Has not been previously published as pathogenic or benign to our knowledge